The following is an entry in ClinVar:

ClinVar aggregate classification (germline): Uncertain significance (1 of 4 stars; one submission).

Conditions:
Brunet-Wagner neurodevelopmental syndrome (BRUWAG). Identifiers: MedGen C5562056, MONDO:0859217, OMIM 619690.

gnomAD v4.1: 2 of 1,583,740 alleles (0.00013%); highest among the groups gnomAD compares: Non-Finnish European, 0.00017%; no homozygotes.

Submission:

Neuberg Centre For Genomic Medicine, NCGM
Classification: Uncertain significance for Brunet-Wagner neurodevelopmental syndrome. Last evaluated: 2023-06-22. Review status: criteria provided, single submitter. Criteria: ACMG Guidelines, 2015. Collection method: clinical testing. Allele origin: germline. Inheritance: Autosomal recessive inheritance. Affected: yes.
Comment: The observed missense variant c.1850C>T(p.Pro617Leu) in the RBL2 gene has not been reported previously as a pathogenic variant nor as a benign variant, to our knowledge. This variant is absent in the gnomAD Exomes. The amino acid Pro at position 617 is changed to a Leu changing protein sequence and it might alter its composition and physico-chemical properties. Multiple lines of computational evidence (Polyphen - Damaging, SIFT - Damaging and MutationTaster - Disease causing) predict a damaging effect on protein structure and function for this variant. The residue is conserved by GERP++ and PhyloP across 100 vertebrates. For these reasons, this variant has been classified as Uncertain Significance.

NM_005611.4(RBL2):c.1850C>T (p.Pro617Leu)

Gene: RBL2 (RB transcriptional corepressor like 2; plus strand). Cytogenetic location: 16q12.2.
Variant type: single nucleotide variant.
Coding change: c.1850C>T on transcript NM_005611.4 (MANE Select); coding-DNA position 1850, C replaced by T.
Protein change: p.Pro617Leu; replaces proline 617 with leucine.
Molecular consequence: missense variant.
Genome position (GRCh38, 1-based): chr16:53,465,589, C>T. VCF-style: chr16-53465589-C-T. GRCh37 (hg19) VCF-style: chr16-53499501-C-T.
Other names: c.1850C>T, p.Pro617Leu (NM_001323608.2, NM_001323609.2, NM_001323610.2); c.1628C>T, p.Pro543Leu (NM_001323611.1); short protein forms P543L, P617L.
Identifiers: ClinVar variation 3377618 (VCV003377618.1).